The following is an entry in ClinVar:

ClinVar aggregate classification (germline): Uncertain significance (1 of 4 stars; one submission).

gnomAD v4.1: 1 of 1,613,596 alleles (0.000062%); highest among the groups gnomAD compares: Non-Finnish European, 0.000085%; no homozygotes.

Submission:

Labcorp Genetics (formerly Invitae), Labcorp
Classification: Uncertain significance. Last evaluated: 2022-08-23. Review status: criteria provided, single submitter. Criteria: Invitae Variant Classification Sherloc (09022015). Collection method: clinical testing. Allele origin: germline.
Comment: ClinVar contains an entry for this variant (Variation ID: 1518623). In summary, the available evidence is currently insufficient to determine the role of this variant in disease. Therefore, it has been classified as a Variant of Uncertain Significance. Algorithms developed to predict the effect of missense changes on protein structure and function output the following: SIFT: "Tolerated"; PolyPhen-2: "Benign"; Align-GVGD: "Class C0". The valine amino acid residue is found in multiple mammalian species, which suggests that this missense change does not adversely affect protein function. This variant has not been reported in the literature in individuals affected with AGBL5-related conditions. This variant is not present in population databases (gnomAD no frequency). This sequence change replaces alanine, which is neutral and non-polar, with valine, which is neutral and non-polar, at codon 39 of the AGBL5 protein (p.Ala39Val).

NM_021831.6(AGBL5):c.116C>T (p.Ala39Val)

Gene: AGBL5 (AGBL carboxypeptidase 5; plus strand). Cytogenetic location: 2p23.3.
Variant type: single nucleotide variant.
Coding change: c.116C>T on transcript NM_021831.6 (MANE Select); coding-DNA position 116, C replaced by T.
Protein change: p.Ala39Val; replaces alanine 39 with valine.
Molecular consequence: missense variant. On other transcripts: non-coding transcript variant (2).
Genome position (GRCh38, 1-based): chr2:27,053,074, C>T. VCF-style: chr2-27053074-C-T. GRCh37 (hg19) VCF-style: chr2-27275942-C-T.
Other names: c.116C>T, p.Ala39Val (NM_001035507.3); short protein forms A39V.
Identifiers: ClinVar variation 1518623 (VCV001518623.6), dbSNP rs2148267654, ClinGen allele CA346167445.